The following is an entry in ClinVar:

NM_005045.4(RELN):c.32T>G (p.Phe11Cys)

Gene: RELN (reelin; minus strand). Cytogenetic location: 7q22.1.
Variant type: single nucleotide variant.
Coding change: c.32T>G on transcript NM_005045.4 (MANE Select); coding-DNA position 32, T replaced by G.
Protein change: p.Phe11Cys; replaces phenylalanine 11 with cysteine.
Molecular consequence: missense variant.
Genome position (GRCh38, 1-based): chr7:103,989,325, A>C on the plus strand (T>G on the coding strand, the complement: RELN is on the minus strand). VCF-style: chr7-103989325-A-C. GRCh37 (hg19) VCF-style: chr7-103629772-A-C.
Other names: c.32T>G, p.Phe11Cys (NM_173054.3); short protein forms F11C.
Identifiers: ClinVar variation 212036 (VCV000212036.10), dbSNP rs764120718, ClinGen allele CA207022.

ClinVar aggregate classification (germline): Uncertain significance. Review status: criteria provided, multiple submitters, no conflicts (2 of 4 stars). 2 submissions from 2 submitters: Uncertain significance (2). Last evaluated 2024-05-10.

Conditions:
Norman-Roberts syndrome (LIS2). Also called: Lissencephaly 2 (Norman-Roberts type). Identifiers: Orphanet 89844, MedGen C0796089, MONDO:0009760, OMIM 257320.
Familial temporal lobe epilepsy 7. Identifiers: Orphanet 101046, MedGen C4225327, MONDO:0014639, OMIM 616436.

Allele frequency attached by ClinVar (database versions not stated): gnomAD exomes below 0.00001; ExAC 0.00001; TOPMed 0.00001.

Submissions (2):

Labcorp Genetics (formerly Invitae), Labcorp
Classification: Uncertain significance for Familial temporal lobe epilepsy 7; Norman-Roberts syndrome. Last evaluated: 2024-05-10. Review status: criteria provided, single submitter. Criteria: Invitae Variant Classification Sherloc (09022015). Collection method: clinical testing. Allele origin: germline.
Comment: This sequence change replaces phenylalanine, which is neutral and non-polar, with cysteine, which is neutral and slightly polar, at codon 11 of the RELN protein (p.Phe11Cys). This variant is present in population databases (rs764120718, gnomAD 0.001%). This variant has not been reported in the literature in individuals affected with RELN-related conditions. ClinVar contains an entry for this variant (Variation ID: 212036). Algorithms developed to predict the effect of missense changes on protein structure and function output the following: SIFT: "Not Available"; PolyPhen-2: "Benign"; Align-GVGD: "Not Available". The cysteine amino acid residue is found in multiple mammalian species, which suggests that this missense change does not adversely affect protein function. In summary, the available evidence is currently insufficient to determine the role of this variant in disease. Therefore, it has been classified as a Variant of Uncertain Significance.

Genetic Services Laboratory, University of Chicago
Classification: Uncertain significance. Last evaluated: 2015-01-13. Review status: criteria provided, single submitter. Criteria: ACMG Guidelines, 2015. Collection method: clinical testing. Allele origin: germline.